The following is an entry in ClinVar:

GRCh37/hg19 1p13.3-13.2(chr1:109483388-112293512)x1

Genes: ADORA3 (adenosine A3 receptor; minus strand), AHCYL1 (adenosylhomocysteinase like 1; plus strand), ALX3 (ALX homeobox 3; minus strand), AMIGO1 (adhesion molecule with Ig like domain 1; minus strand), AMPD2 (adenosine monophosphate deaminase 2; plus strand) and 51 more. Cytogenetic location: 1p13.3-13.2.
Variant type: copy number loss.
Change: copy number 1 (one copy instead of two) of chr1:109,483,388-112,293,512 (2.81 Mb, GRCh37 coordinates, 1-based), cytogenetic band 1p13.3-13.2.
Identifiers: ClinVar variation 2685555 (VCV002685555.1).

ClinVar aggregate classification (germline): Pathogenic (1 of 4 stars; one submission).

Submission:

Quest Diagnostics Nichols Institute San Juan Capistrano
Classification: Pathogenic. Last evaluated: 2022-12-20. Review status: criteria provided, single submitter. Criteria: ACMG/ClinGen CNV Guidelines, 2019. Collection method: clinical testing. Allele origin: unknown.
Comment: This deletion involves numerous protein-coding genes, including WDR47 (OMIM 615734), ELAPOR1 (OMIM 611298), GSTM5 (OMIM 138385), and LRIF1 (OMIM 615354), which have recently been proposed as candidate genes for neurodevelopmental phenotypes (Ben-Mahmoud 2022). A heterozygous deletion that lies within the current interval has been reported in a patient, which was inherited from their mother who had the same neurodevelopmental phenotype (Ben-Mahmoud 2022). One individual with complete gene deletion has been reported with generalized epilepsy and intellectual disability (Lai 2015, Doring 2021). Thus, based on current medical literature and gene content, this copy number variant is classified as pathogenic. References Ben-Mahmoud et al., Front Mol Neurosci. 2022 Oct 6;15:979061. PMID: 36277487 Doring et al., Int J Mol Sci 2021 Mar 10;22(6):2824 PMID: 33802230 Lal et al., PLoS Genet. 2015 May 7;11(5):e1005226. PMID: 25950944 Syrbe et al., Nat Genet. 2015 Apr;47(4):393-399. PMID: 25751627